The following is an entry in ClinVar:

NM_000057.4(BLM):c.2996C>G (p.Thr999Ser)

Gene: BLM (BLM RecQ like helicase; plus strand). Cytogenetic location: 15q26.1.
Variant type: single nucleotide variant.
Coding change: c.2996C>G on transcript NM_000057.4 (MANE Select); coding-DNA position 2996, C replaced by G.
Protein change: p.Thr999Ser; replaces threonine 999 with serine.
Molecular consequence: missense variant.
Genome position (GRCh38, 1-based): chr15:90,790,821, C>G. VCF-style: chr15-90790821-C-G. GRCh37 (hg19) VCF-style: chr15-91334051-C-G.
Other names: c.2996C>G, p.Thr999Ser (NM_001287246.2, NM_001287247.2); c.1871C>G, p.Thr624Ser (NM_001287248.2); short protein forms T999S, T624S.
Identifiers: ClinVar variation 578079 (VCV000578079.9), dbSNP rs1567056730, ClinGen allele CA393846582.

ClinVar aggregate classification (germline): Uncertain significance (1 of 4 stars; one submission).

Conditions:
Bloom syndrome (BLM). Also called: Bloom-Torre-Machacek syndrome. Identifiers: Orphanet 125, MedGen C0005859, MONDO:0008876, OMIM 210900.

Submission:

Labcorp Genetics (formerly Invitae), Labcorp
Classification: Uncertain significance for Bloom syndrome. Last evaluated: 2025-11-10. Review status: criteria provided, single submitter. Criteria: Invitae Variant Classification Sherloc (09022015). Collection method: clinical testing. Allele origin: germline.
Comment: This sequence change replaces threonine, which is neutral and polar, with serine, which is neutral and polar, at codon 999 of the BLM protein (p.Thr999Ser). This variant is not present in population databases (gnomAD no frequency). This variant has not been reported in the literature in individuals affected with BLM-related conditions. ClinVar contains an entry for this variant (Variation ID: 578079). Invitae Evidence Modeling of protein sequence and biophysical properties (such as structural, functional, and spatial information, amino acid conservation, physicochemical variation, residue mobility, and thermodynamic stability) indicates that this missense variant is not expected to disrupt BLM protein function with a negative predictive value of 80%. Algorithms developed to predict the effect of sequence changes on RNA splicing suggest that this variant may create or strengthen a splice site. In summary, the available evidence is currently insufficient to determine the role of this variant in disease. Therefore, it has been classified as a Variant of Uncertain Significance.